The following is an entry in ClinVar:

NM_018474.6(KIZ):c.226C>T (p.Arg76Ter)

Genes: KIZ (kizuna centrosomal protein; plus strand), LOC130065509 (ATAC-STARR-seq lymphoblastoid active region 17619; plus strand). Cytogenetic location: 20p11.23.
Variant type: single nucleotide variant.
Coding change: c.226C>T on transcript NM_018474.6 (MANE Select); coding-DNA position 226, C replaced by T.
Protein change: p.Arg76Ter; replaces arginine 76 with a stop codon.
Molecular consequence: nonsense. On other transcripts: 5 prime UTR variant (1), intron variant (4).
Genome position (GRCh38, 1-based): chr20:21,136,463, C>T. VCF-style: chr20-21136463-C-T. GRCh37 (hg19) VCF-style: chr20-21117104-C-T.
Other names: KIZ, ARG76TER (rs202210819); c.226C>T, p.Arg76Ter (NM_001352434.2); c.-161C>T (NM_001352436.2); c.169-9102C>T (NM_001276389.2); c.6+4304C>T (NM_001163022.3, NM_001352435.2, NM_001163023.3); short protein forms R76*.
Identifiers: ClinVar variation 128241 (VCV000128241.26), dbSNP rs202210819, ClinGen allele CA151548.
Genomic context (GRCh38, chr20:21,136,463, plus strand): 5'-TATGTAAAACTAAAGAATTATCTGAAGGAAATATGTGAATCTGAAAAGAAGGCTCATACT[C>T]GAAACCAAGAATATTTAAAGCGATTTGAGCGTGTCCAAGCTCATGTTGTACACTTCACCA-3'

ClinVar aggregate classification (germline): Pathogenic. Review status: criteria provided, multiple submitters, no conflicts (2 of 4 stars). 12 submissions from 12 submitters: Pathogenic (8). 4 of the submissions do not count toward it. Last evaluated 2026-08-01.

Conditions:
KIZ-related disorder. Also called: KIZ-related condition.
KIZ & PLK1S1-related disorders.
Retinitis pigmentosa 69 (RP69). Identifiers: Orphanet 791, MedGen C4014312, MONDO:0014345, OMIM 615780.
Retinitis pigmentosa (RP). Identifiers: Orphanet 791, MedGen C0035334, MeSH D012174, MONDO:0019200, OMIM 268000. Inheritance: Autosomal dominant, autosomal recessive and X linked inheritance.
Retinal disorder. Also called: Retinal disorders; Retinopathy; Retinopathies; Retinal Diseases. Identifiers: MedGen C0035309, MONDO:0005283, HP:0000488.

Allele frequency attached by ClinVar (database versions not stated): TOPMed 0.00049; gnomAD 0.00032; ExAC 0.00095; ESP Exome Variant Server 0.00042; gnomAD exomes 0.00049.
gnomAD v4.1: 329 of 1,587,168 alleles (0.021%); highest among the groups gnomAD compares: Admixed American, 0.12%; no homozygotes.

Submissions (12):

PreventionGenetics, part of Exact Sciences
Classification: Pathogenic for KIZ-related condition. Last evaluated: 2026-08-01. Review status: criteria provided, single submitter. Criteria: ACMG Guidelines, 2015. Collection method: clinical testing. Allele origin: germline.
Comment: The KIZ c.226C>T variant is predicted to result in premature protein termination (p.Arg76*). This variant has been reported in individuals with autosomal recessive rod-cone dystrophy (El Shamieh et al. 2014. PubMed ID: 24680887; El Shamieh et al. 2017. PubMed ID: 29057815; Gustafson et al. 2017. PubMed ID: 28837078; Table S2 in Sharon et al. 2019. PubMed ID: 31456290). This variant is present in 0.63% of alleles in individuals of Ashkenazi Jewish descent in gnomAD, indicating it is relatively common in this population. Nonsense variants in KIZ are an established mechanism of disease. Given the evidence, we interpret this variant as pathogenic.

Labcorp Genetics (formerly Invitae), Labcorp
Classification: Pathogenic. Last evaluated: 2025-12-30. Review status: criteria provided, single submitter. Criteria: Invitae Variant Classification Sherloc (09022015). Collection method: clinical testing. Allele origin: germline.
Comment: This sequence change creates a premature translational stop signal (p.Arg76*) in the KIZ gene. It is expected to result in an absent or disrupted protein product. Loss-of-function variants in KIZ are known to be pathogenic (PMID: 24680887, 29057815). This variant is present in population databases (rs202210819, gnomAD 0.7%), and has an allele count higher than expected for a pathogenic variant. This premature translational stop signal has been observed in individual(s) with clinical features of retinitis pigmentosa (PMID: 24680887, 28837078, 29057815, 31556760, 32052671; internal data). It has also been observed to segregate with disease in related individuals. ClinVar contains an entry for this variant (Variation ID: 128241). For these reasons, this variant has been classified as Pathogenic.

Blueprint Genetics
Classification: Pathogenic for KIZ & PLK1S1-related disorders. Last evaluated: 2024-04-19. Review status: criteria provided, single submitter. Criteria: ACMG Guidelines, 2015. Collection method: clinical testing. Allele origin: germline. Affected: yes. Observed: 5 variant alleles.

GeneDx
Classification: Pathogenic. Last evaluated: 2022-12-15. Review status: criteria provided, single submitter. Criteria: GeneDx Variant Classification Process June 2021. Collection method: clinical testing. Allele origin: germline. Affected: yes.
Comment: Nonsense variant predicted to result in protein truncation or nonsense mediated decay in a gene for which loss-of-function is a known mechanism of disease; This variant is associated with the following publications: (PMID: 28837078, 24680887, 29057815, 30081015, 31556760, 31456290, 34662339, 36317312, 32052671)

Revvity Omics, Revvity
Classification: Pathogenic for Retinitis pigmentosa 69. Last evaluated: 2022-12-15. Review status: criteria provided, single submitter. Criteria: ACMG Guidelines, 2015. Collection method: clinical testing. Allele origin: germline.

AURAGEN, Plan France Médecine Génomique
Classification: Pathogenic for Retinal disorder. Last evaluated: 2022-01-24. Review status: criteria provided, single submitter. Criteria: PFMG2025 (Lancet Reg Health Eur. 2025). Collection method: clinical testing. Allele origin: germline. Affected: yes.

Fulgent Genetics
Classification: Pathogenic for Retinitis pigmentosa 69. Last evaluated: 2021-10-19. Review status: criteria provided, single submitter. Criteria: ACMG Guidelines, 2015. Collection method: clinical testing. Allele origin: unknown.

Ocular Genomics Institute, Massachusetts Eye and Ear
Classification: Pathogenic for Retinitis pigmentosa 69. Last evaluated: 2021-04-08. Review status: criteria provided, single submitter. Criteria: ACMG Guidelines, 2015. Collection method: research. Allele origin: germline. Affected: yes.
Comment: Through a review of available evidence we were able to apply the following criteria: PVS1, PM3, PP4. Based on this evidence we have classified this variant as Pathogenic.

Broad Center for Mendelian Genomics, Broad Institute of MIT and Harvard
Classification: Pathogenic for Retinitis pigmentosa 69. Last evaluated: 2023-06-05. Review status: no assertion criteria provided. Collection method: curation. Allele origin: germline. Inheritance: Autosomal recessive inheritance. Not counted in ClinVar's aggregate classification.
Comment: The homozygous p.Arg76Ter variant in KIZ was identified by our study in 2 siblings with retinitis pigmentosa. The variant has been reported in 9 individuals with retinitis pigmentosa (PMID: 28837078, 24680887, 29057815, 32052671, 31556760), segregated with disease in 2 affected relatives from 2 families (PMID: 28837078), and has been identified in 0.63% (61/9658) of Ashkenazi Jewish chromosomes by the Genome Aggregation Database (gnomAD; dbSNP ID: rs202210819). Although this variant has been seen in the general population, its frequency is not high enough to rule out a pathogenic role. This variant has also been reported in ClinVar (Variation ID: 128241) as pathogenic by GeneDx, OMIM, Sharon lab, Hadassah-Hebrew University Medical Center, and Reproductive Health Research and Development, BGI Genomics. Of the 9 affected individuals, all were homozygotes, which increases the likelihood that the p.Arg76Ter variant is pathogenic (PMID: 28837078, 24680887, 29057815, 32052671, 31556760). This nonsense variant leads to a premature termination codon at position 76, which is predicted to lead to a truncated or absent protein. Loss of function of the KIZ gene is an established disease mechanism in autosomal recessive retinitis pigmentosa. In summary, this variant meets criteria to be classified as pathogenic for autosomal recessive retinitis pigmentosa. ACMG/AMP Criteria applied: PVS1, PM3, PP1 (Richards 2015).

Reproductive Health Research and Development, BGI Genomics
Classification: Pathogenic for Retinitis pigmentosa 69. Last evaluated: 2020-01-06. Review status: no assertion criteria provided. Collection method: curation. Allele origin: germline. Not counted in ClinVar's aggregate classification.
Comment: NM_018474.5:c.226C>T in the KIZ gene has an allele frequency of 0.006 in Ashkenazi Jewish subpopulation in the gnomAD database. The p.Arg76* (NM_018474.5:c.226C>T) variant in the KIZ gene has been reported in retinitis pigmentosa patients with a homozygous mutation (PMID: 24680887; 2905781). This variant is presented in the biological transcript and located at the 3/13 exon, therefore, it is predicted to lead nonsense-mediated mRNA decay. Taken together, we interprete this variant as Pathogenic/Likely pathogenic. ACMG/AMP Criteria applied: PVS1; PM3; PP4.

Sharon lab, Hadassah-Hebrew University Medical Center
Classification: Pathogenic for Retinitis pigmentosa. Last evaluated: 2019-06-23. Review status: no assertion criteria provided. Collection method: research. Allele origin: inherited. Affected: yes. Not counted in ClinVar's aggregate classification.

OMIM
Classification: Pathogenic for RETINITIS PIGMENTOSA 69. Last evaluated: 2014-04-03. Review status: no assertion criteria provided. Collection method: literature only. Allele origin: germline. Not counted in ClinVar's aggregate classification.

Literature cited by the submitters: PubMed 24680887 (cited by 4 submitters); PubMed 29057815 (cited by 3 submitters); PubMed 28837078 (cited by 3 submitters); PubMed 31556760 (cited by 3 submitters); PubMed 32052671 (cited by 3 submitters).